The following is an entry in ClinVar:

ClinVar aggregate classification (germline): Uncertain significance. Review status: criteria provided, multiple submitters, no conflicts (2 of 4 stars). 2 submissions from 2 submitters: Uncertain significance (2). Last evaluated 2024-06-09.

Conditions:
Hereditary cancer-predisposing syndrome. Also called: Tumor predisposition; Hereditary neoplastic syndrome; Neoplastic Syndromes, Hereditary; Hereditary Cancer Syndrome. Identifiers: Orphanet 140162, MedGen C0027672, MeSH D009386, MONDO:0015356.
Oligodontia-cancer predisposition syndrome. Also called: TOOTH AGENESIS-COLORECTAL CANCER SYNDROME. Identifiers: Orphanet 300576, MedGen C1837750, MONDO:0012075, OMIM 608615. Disease mechanism: loss of function.

Allele frequency attached by ClinVar (database versions not stated): gnomAD exomes below 0.00001.

Submissions (2):

Ambry Genetics
Classification: Uncertain significance for Hereditary cancer-predisposing syndrome. Last evaluated: 2024-06-09. Review status: criteria provided, single submitter. Criteria: Ambry Variant Classification Scheme 2023. Collection method: clinical testing. Allele origin: germline.
Comment: The p.Q638E variant (also known as c.1912C>G), located in coding exon 7 of the AXIN2 gene, results from a C to G substitution at nucleotide position 1912. The glutamine at codon 638 is replaced by glutamic acid, an amino acid with highly similar properties. This amino acid position is conserved. In addition, this alteration is predicted to be tolerated by in silico analysis. Based on the available evidence, the clinical significance of this variant remains unclear.

Labcorp Genetics (formerly Invitae), Labcorp
Classification: Uncertain significance for Oligodontia-cancer predisposition syndrome. Last evaluated: 2022-07-21. Review status: criteria provided, single submitter. Criteria: Invitae Variant Classification Sherloc (09022015). Collection method: clinical testing. Allele origin: germline.
Comment: In summary, the available evidence is currently insufficient to determine the role of this variant in disease. Therefore, it has been classified as a Variant of Uncertain Significance. Algorithms developed to predict the effect of missense changes on protein structure and function (SIFT, PolyPhen-2, Align-GVGD) all suggest that this variant is likely to be tolerated. This variant has not been reported in the literature in individuals affected with AXIN2-related conditions. This variant is not present in population databases (gnomAD no frequency). This sequence change replaces glutamine, which is neutral and polar, with glutamic acid, which is acidic and polar, at codon 638 of the AXIN2 protein (p.Gln638Glu).

NM_004655.4(AXIN2):c.1912C>G (p.Gln638Glu)

Gene: AXIN2 (axin 2; minus strand). Cytogenetic location: 17q24.1.
Variant type: single nucleotide variant.
Coding change: c.1912C>G on transcript NM_004655.4 (MANE Select); coding-DNA position 1912, C replaced by G.
Protein change: p.Gln638Glu; replaces glutamine 638 with glutamic acid.
Molecular consequence: missense variant.
Genome position (GRCh38, 1-based): chr17:65,536,549, G>C on the plus strand (C>G on the coding strand, the complement: AXIN2 is on the minus strand). VCF-style: chr17-65536549-G-C. GRCh37 (hg19) VCF-style: chr17-63532667-G-C.
Other names: c.1717C>G, p.Gln573Glu (NM_001363813.1); short protein forms Q573E, Q638E.
Identifiers: ClinVar variation 1981940 (VCV001981940.5), dbSNP rs1598097196, ClinGen allele CA400676351.